The following is an entry in ClinVar:

NM_014727.3(KMT2B):c.5432C>T (p.Ser1811Phe)

Gene: KMT2B (lysine methyltransferase 2B; plus strand). Cytogenetic location: 19q13.12.
Variant type: single nucleotide variant.
Coding change: c.5432C>T on transcript NM_014727.3 (MANE Select); coding-DNA position 5432, C replaced by T.
Protein change: p.Ser1811Phe; replaces serine 1811 with phenylalanine.
Molecular consequence: missense variant.
Genome position (GRCh38, 1-based): chr19:35,730,862, C>T. VCF-style: chr19-35730862-C-T. GRCh37 (hg19) VCF-style: chr19-36221763-C-T.
Other names: short protein forms S1811F.
Identifiers: ClinVar variation 2919743 (VCV002919743.17), dbSNP rs761123223, ClinGen allele CA9385394.

ClinVar aggregate classification (germline): Likely benign. Review status: criteria provided, multiple submitters, no conflicts (2 of 4 stars). 2 submissions from 2 submitters: Likely benign (2). Last evaluated 2026-01-05.

Allele frequency attached by ClinVar (database versions not stated): ExAC 0.00001; gnomAD 0.00001.
gnomAD v4.1: 4 of 1,603,494 alleles (0.00025%); highest among the groups gnomAD compares: Middle Eastern, 0.018%; no homozygotes.

Submissions (2):

Labcorp Genetics (formerly Invitae), Labcorp
Classification: Likely benign. Last evaluated: 2026-01-05. Review status: criteria provided, single submitter. Criteria: Invitae Variant Classification Sherloc (09022015). Collection method: clinical testing. Allele origin: germline.

CeGaT Center for Human Genetics Tuebingen
Classification: Likely benign. Last evaluated: 2024-10-01. Review status: criteria provided, single submitter. Criteria: CeGaT Center For Human Genetics Tuebingen Variant Classification Criteria Version 2. Collection method: clinical testing. Allele origin: germline. Affected: yes. Observed: 1 variant allele.
Comment: KMT2B: BP4